The following is an entry in ClinVar:

ClinVar aggregate classification (germline): Conflicting classifications of pathogenicity. Review status: criteria provided, conflicting classifications (1 of 4 stars). 2 submissions from 2 submitters: Uncertain significance (1); Likely benign (1). Last evaluated 2024-12-04.

Conditions:
PKHD1-related disorder. Also called: PKHD1-related condition.
Polycystic kidney disease 4 (PKD4). Also called: POLYCYSTIC KIDNEY DISEASE 4 WITH OR WITHOUT POLYCYSTIC LIVER DISEASE; PKD3; POLYCYSTIC KIDNEY AND HEPATIC DISEASE 1; POLYCYSTIC KIDNEY DISEASE, INFANTILE, TYPE I; Autosomal Recessive Polycystic Kidney Disease – PKHD1. Identifiers: MedGen C4540575, MONDO:0033004, OMIM 263200.

gnomAD v4.1: 3 of 1,613,790 alleles (0.00019%); highest among the groups gnomAD compares: African/African-American, 0.004%; no homozygotes.

Submissions (2):

PreventionGenetics, part of Exact Sciences
Classification: Likely benign for PKHD1-related condition. Last evaluated: 2024-12-04. Review status: criteria provided, single submitter. Criteria: ACMG Guidelines, 2015. Collection method: clinical testing. Allele origin: germline.
Comment: This variant is classified as likely benign based on ACMG/AMP sequence variant interpretation guidelines (Richards et al. 2015 PMID: 25741868, with internal and published modifications).

Fulgent Genetics
Classification: Uncertain significance for Polycystic kidney disease 4. Last evaluated: 2024-04-01. Review status: criteria provided, single submitter. Criteria: ACMG Guidelines, 2015. Collection method: clinical testing. Allele origin: germline.

NM_138694.4(PKHD1):c.8409C>T (p.Cys2803=)

Gene: PKHD1 (PKHD1 ciliary IPT domain containing fibrocystin/polyductin; minus strand). Cytogenetic location: 6p12.3.
Variant type: single nucleotide variant.
Coding change: c.8409C>T on transcript NM_138694.4 (MANE Select); coding-DNA position 8409, C replaced by T.
Protein change: p.Cys2803=; no amino-acid change (cysteine 2803 retained).
Molecular consequence: synonymous variant.
Genome position (GRCh38, 1-based): chr6:51,791,267, G>A on the plus strand (C>T on the coding strand, the complement: PKHD1 is on the minus strand). VCF-style: chr6-51791267-G-A. GRCh37 (hg19) VCF-style: chr6-51656065-G-A.
Other names: c.8409C>T, p.Cys2803= (NM_170724.3); c.8409C>T (NM_138694.3).
Identifiers: ClinVar variation 3593803 (VCV003593803.2).